The following is an entry in ClinVar:

NM_001165963.4(SCN1A):c.4634T>A (p.Ile1545Lys)

Genes: SCN1A (sodium voltage-gated channel alpha subunit 1; minus strand), LOC102724058 (uncharacterized LOC102724058; plus strand). Cytogenetic location: 2q24.3.
Variant type: single nucleotide variant.
Coding change: c.4634T>A on transcript NM_001165963.4 (MANE Select); coding-DNA position 4634, T replaced by A.
Protein change: p.Ile1545Lys; replaces isoleucine 1545 with lysine.
Molecular consequence: missense variant. On other transcripts: non-coding transcript variant (1).
Genome position (GRCh38, 1-based): chr2:165,994,364, A>T on the plus strand (T>A on the coding strand, the complement: SCN1A is on the minus strand). VCF-style: chr2-165994364-A-T. GRCh37 (hg19) VCF-style: chr2-166850874-A-T.
Other names: c.4550T>A, p.Ile1517Lys (NM_001165964.3, NM_001353957.2, NM_001353958.2); c.4634T>A, p.Ile1545Lys (NM_001202435.3, NM_001353948.2); c.4601T>A, p.Ile1534Lys (NM_001353949.2, NM_001353950.2, NM_001353951.2 and 2 more transcripts); c.4598T>A, p.Ile1533Lys (NM_001353954.2, NM_001353955.2); c.4547T>A, p.Ile1516Lys (NM_001353960.2); c.2192T>A, p.Ile731Lys (NM_001353961.2); short protein forms I1516K, I1517K, I1533K, I1534K, I1545K, I731K.
Identifiers: ClinVar variation 1067239 (VCV001067239.10), dbSNP rs2105449347, ClinGen allele CA349072268.

ClinVar aggregate classification (germline): Likely pathogenic (1 of 4 stars; one submission).

Conditions:
Early-infantile DEE. Also called: Ohtahara syndrome; Early infantile epileptic encephalopathy with suppression bursts; Early infantile epileptic encephalopathy. Identifiers: Orphanet 1934, MedGen C0393706, MONDO:0800491.

Submission:

Labcorp Genetics (formerly Invitae), Labcorp
Classification: Likely pathogenic for Early-infantile DEE. Last evaluated: 2020-08-15. Review status: criteria provided, single submitter. Criteria: Invitae Variant Classification Sherloc (09022015). Collection method: clinical testing. Allele origin: germline.
Comment: This variant is not present in population databases (ExAC no frequency). This sequence change replaces isoleucine with lysine at codon 1545 of the SCN1A protein (p.Ile1545Lys). The isoleucine residue is highly conserved and there is a moderate physicochemical difference between isoleucine and lysine. This variant has been observed in individual(s) with clinical features of SCN1A-related conditions (Invitae). In summary, the currently available evidence indicates that the variant is pathogenic, but additional data are needed to prove that conclusively. Therefore, this variant has been classified as Likely Pathogenic. This variant disrupts the p.Ile1545 amino acid residue in SCN1A. Other variant(s) that disrupt this residue have been determined to be pathogenic (PMID: 17347258, 28202706, 30619928). This suggests that this residue is clinically significant, and that variants that disrupt this residue are likely to be disease-causing. Advanced modeling of protein sequence and biophysical properties (such as structural, functional, and spatial information, amino acid conservation, physicochemical variation, residue mobility, and thermodynamic stability) performed at Invitae indicates that this missense variant is expected to disrupt SCN1A protein function.

Literature cited by the submitters: PubMed 17347258; PubMed 28202706; PubMed 30619928.